The following is an entry in ClinVar:

ClinVar aggregate classification (germline): Uncertain significance. Review status: criteria provided, multiple submitters, no conflicts (2 of 4 stars). 2 submissions from 2 submitters: Uncertain significance (2). Last evaluated 2025-12-15.

Conditions:
Inborn genetic diseases. Identifiers: MedGen C0950123, MeSH D030342.

gnomAD v4.1: 2 of 1,613,788 alleles (0.00012%); highest among the groups gnomAD compares: South Asian, 0.0022%; no homozygotes.

Submissions (2):

Ambry Genetics
Classification: Uncertain significance for Inborn genetic diseases. Last evaluated: 2025-12-15. Review status: criteria provided, single submitter. Criteria: Ambry Variant Classification Scheme 2023. Collection method: clinical testing. Allele origin: germline.

GeneDx
Classification: Uncertain significance. Last evaluated: 2024-12-04. Review status: criteria provided, single submitter. Criteria: GeneDx Variant Classification Process June 2021. Collection method: clinical testing. Allele origin: germline. Affected: yes.
Comment: Not observed at significant frequency in large population cohorts (gnomAD); In silico analysis supports that this missense variant has a deleterious effect on protein structure/function; Has not been previously published as pathogenic or benign to our knowledge

NM_001256545.2(MEGF10):c.800C>A (p.Pro267His)

Gene: MEGF10 (multiple EGF like domains 10; plus strand). Cytogenetic location: 5q23.2.
Variant type: single nucleotide variant.
Coding change: c.800C>A on transcript NM_001256545.2 (MANE Select); coding-DNA position 800, C replaced by A.
Protein change: p.Pro267His; replaces proline 267 with histidine.
Molecular consequence: missense variant.
Genome position (GRCh38, 1-based): chr5:127,402,565, C>A. VCF-style: chr5-127402565-C-A. GRCh37 (hg19) VCF-style: chr5-126738257-C-A.
Other names: c.800C>A, p.Pro267His (NM_001308119.2, NM_001308121.2, NM_032446.3); short protein forms P267H.
Identifiers: ClinVar variation 3901657 (VCV003901657.2).
Genomic context (GRCh38, chr5:127,402,565, plus strand): 5'-GCTGGAGGCCCATCTAATTTTCCAAGTCTCTTTGAATGCAGGGCACAGTGTGTGGTCAGC[C>A]TTGCCCCGAGGGTCGCTTTGGAAAGAACTGTTCCCAAGAATGCCAGTGCCATAATGGAGG-3'
Protein context (NP_001243474.1, residues 257-277): SGWMGTVCGQ[Pro267His]CPEGRFGKNC